The following is an entry in ClinVar:

ClinVar aggregate classification (germline): Conflicting classifications of pathogenicity. Review status: criteria provided, conflicting classifications (1 of 4 stars). 12 submissions from 12 submitters: Uncertain significance (2); Benign (1); Likely benign (8). 1 of the submissions does not count toward it. Last evaluated 2026-01-28.

Conditions:
Aneurysm-osteoarthritis syndrome. Also called: LOEYS-DIETZ SYNDROME WITH OSTEOARTHRITIS; SMAD3-Related Loeys-Dietz Syndrome; ANEURYSMS-OSTEOARTHRITIS SYNDROME; Loeys-Dietz syndrome, type 1C. Identifiers: Orphanet 284984, MedGen C3151087, MONDO:0013426, OMIM 613795.
Loeys-Dietz syndrome (LDS). Identifiers: Orphanet 60030, MedGen C2697932, MONDO:0018954.
Familial thoracic aortic aneurysm and aortic dissection (TAAD). Also called: Thoracic aortic aneurysms and dissections. Identifiers: Orphanet 91387, MedGen C4707243, MONDO:0019625.
SMAD3-related disorder. Also called: SMAD3-related condition.

Allele frequency attached by ClinVar (database versions not stated): gnomAD exomes 0.00012 and 0.00025; TOPMed 0.00012; gnomAD 0.00016; ExAC 0.00017.
gnomAD v4.1: 216 of 1,613,876 alleles (0.013%); highest among the groups gnomAD compares: Non-Finnish European, 0.0025%; no homozygotes.

Submissions (12):

Labcorp Genetics (formerly Invitae), Labcorp
Classification: Likely benign for Familial thoracic aortic aneurysm and aortic dissection. Last evaluated: 2026-01-28. Review status: criteria provided, single submitter. Criteria: Invitae Variant Classification Sherloc (09022015). Collection method: clinical testing. Allele origin: germline.

CeGaT Center for Human Genetics Tuebingen
Classification: Benign. Last evaluated: 2025-12-01. Review status: criteria provided, single submitter. Criteria: CeGaT Center For Human Genetics Tuebingen Variant Classification Criteria Version 2. Collection method: clinical testing. Allele origin: germline. Affected: yes. Observed: 16 variant alleles.
Comment: SMAD3: PP2, BS1, BS2

All of Us Research Program, National Institutes of Health
Classification: Likely benign for Aneurysm-osteoarthritis syndrome. Last evaluated: 2024-09-23. Review status: criteria provided, single submitter. Criteria: ACMG Guidelines, 2015. Collection method: clinical testing. Allele origin: germline. Inheritance: Autosomal dominant inheritance. Observed: 99 variant alleles, 99 heterozygotes.
Comment: This study involves interpretation of variants in research participants for the purpose of population health screening. Participant phenotype was not available at the time of variant classification. Additional details can be found in publication PMID: 35346344, PMCID: PMC8962531

Blueprint Genetics
Classification: Likely benign. Last evaluated: 2024-04-25. Review status: criteria provided, single submitter. Criteria: ACMG Guidelines, 2015. Collection method: clinical testing. Allele origin: germline.

ARUP Laboratories, Molecular Genetics and Genomics, ARUP Laboratories
Classification: Likely benign for Aneurysm-osteoarthritis syndrome. Last evaluated: 2023-12-08. Review status: criteria provided, single submitter. Criteria: ARUP Molecular Germline Variant Investigation Process 2024. Collection method: clinical testing. Allele origin: germline.

Women's Health and Genetics/Laboratory Corporation of America, LabCorp
Classification: Likely benign. Last evaluated: 2023-12-04. Review status: criteria provided, single submitter. Criteria: LabCorp Variant Classification Summary - May 2015. Collection method: clinical testing. Allele origin: germline.
Comment: Variant summary: SMAD3 c.636G>A (p.Met212Ile) results in a conservative amino acid change in the encoded protein sequence. Three of five in-silico tools predict a benign effect of the variant on protein function. The variant allele was found at a frequency of 0.00025 in 251430 control chromosomes. The observed variant frequency is approximately 65.76 fold of the estimated maximal expected allele frequency for a pathogenic variant in SMAD3 causing Aortopathy phenotype (3.8e-06), strongly suggesting that the variant is benign. To our knowledge, no occurrence of c.636G>A in individuals affected with Aortopathy and no experimental evidence demonstrating its impact on protein function have been reported. Seven submitters have cited clinical-significance assessments for this variant to ClinVar after 2014. Multiple submitters reported the variant with conflicting assessments. Based on the evidence outlined above, the variant was classified as uncertain significance.

GeneDx
Classification: Likely benign. Last evaluated: 2020-11-11. Review status: criteria provided, single submitter. Criteria: GeneDx Variant Classification Process June 2021. Collection method: clinical testing. Allele origin: germline. Affected: yes.

Ambry Genetics
Classification: Likely benign for Familial thoracic aortic aneurysm and aortic dissection. Last evaluated: 2019-04-16. Review status: criteria provided, single submitter. Criteria: Ambry Variant Classification Scheme 2023. Collection method: clinical testing. Allele origin: germline.

Color Diagnostics, LLC DBA Color Health
Classification: Likely benign for Familial thoracic aortic aneurysm and aortic dissection. Last evaluated: 2018-09-17. Review status: criteria provided, single submitter. Criteria: ACMG Guidelines, 2015. Collection method: clinical testing. Allele origin: germline.

CHEO Genetics Diagnostic Laboratory, Children's Hospital of Eastern Ontario
Classification: Uncertain significance for Familial thoracic aortic aneurysm and aortic dissection. Last evaluated: 2017-07-21. Review status: criteria provided, single submitter. Criteria: ACMG Guidelines, 2015. Collection method: clinical testing. Allele origin: germline. Study: Canadian Open Genetics Repository.

Genomic Diagnostic Laboratory, Division of Genomic Diagnostics, Children's Hospital of Philadelphia
Classification: Uncertain significance for Loeys-Dietz syndrome. Last evaluated: 2015-11-24. Review status: criteria provided, single submitter. Criteria: DGD Variant Analysis Guidelines. Collection method: clinical testing. Allele origin: unknown.

PreventionGenetics, part of Exact Sciences
Classification: Likely benign for SMAD3-related condition. Last evaluated: 2021-06-23. Review status: no assertion criteria provided. Collection method: clinical testing. Allele origin: germline. Not counted in ClinVar's aggregate classification.
Comment: This variant is classified as likely benign based on ACMG/AMP sequence variant interpretation guidelines (Richards et al. 2015 PMID: 25741868, with internal and published modifications).

NM_005902.4(SMAD3):c.636G>A (p.Met212Ile)

Gene: SMAD3 (SMAD family member 3; plus strand). Cytogenetic location: 15q22.33.
Variant type: single nucleotide variant.
Coding change: c.636G>A on transcript NM_005902.4 (MANE Select); coding-DNA position 636, G replaced by A.
Protein change: p.Met212Ile; replaces methionine 212 with isoleucine.
Molecular consequence: missense variant.
Genome position (GRCh38, 1-based): chr15:67,170,582, G>A. VCF-style: chr15-67170582-G-A. GRCh37 (hg19) VCF-style: chr15-67462920-G-A.
Other names: c.321G>A, p.Met107Ile (NM_001145102.2); c.504G>A, p.Met168Ile (NM_001145103.2); c.51G>A, p.Met17Ile (NM_001145104.2); short protein forms M212I, M107I, M168I, M17I.
Identifiers: ClinVar variation 252654 (VCV000252654.56), dbSNP rs202094530, ClinGen allele CA062445.